The following is an entry in ClinVar:

ClinVar aggregate classification (germline): Likely pathogenic (1 of 4 stars; one submission).

Conditions:
GLI2-related disorder. Also called: GLI2-related disorders; GLI2-related condition.

Submission:

PreventionGenetics, part of Exact Sciences
Classification: Likely pathogenic for GLI2-related condition. Last evaluated: 2023-03-28. Review status: criteria provided, single submitter. Criteria: ACMG Guidelines, 2015. Collection method: clinical testing. Allele origin: germline.
Comment: The GLI2 c.3295delC variant is predicted to result in a frameshift and premature protein termination (p.Leu1099Tyrfs*31). To our knowledge, this variant has not been reported in the literature or in a large population database, indicating this variant is rare. A similar variant (c.3294_3295delAC, p.Arg1098SerfsX43) was previously reported in an individual with GLI2-related disorder(s) (Patient 36 in supplementary table S1, Bear et al. 2014. PubMed ID: 24744436). Frameshift variants in GLI2 are expected to be pathogenic. The c.3295del (p.Leu1099Tyrfs*31) variant is interpreted as likely pathogenic.

NM_001374353.1(GLI2):c.3244del (p.Leu1082fs)

Gene: GLI2 (GLI family zinc finger 2; plus strand). Cytogenetic location: 2q14.2.
Variant type: Deletion.
Coding change: c.3244del on transcript NM_001374353.1 (MANE Select); coding-DNA position 3244, one base deleted (C; older notation c.3244delC).
Protein change: p.Leu1082fs; shifts the reading frame from leucine 1082.
Molecular consequence: frameshift variant.
Genome position (GRCh38, 1-based): chr2:120,989,209, C deleted. VCF-style (leftmost placement, unchanged base first): chr2-120989208-AC-A. GRCh37 (hg19) VCF-style: chr2-121746784-AC-A.
Other names: c.3295del, p.Leu1099fs (NM_001371271.1, NM_005270.5); c.2869del, p.Leu957fs (NM_001374354.1); short protein forms L1082fs, L1099fs, L957fs.
Identifiers: ClinVar variation 2633716 (VCV002633716.1), dbSNP rs2467776444, ClinGen allele CA2695197011.